The following is an entry in ClinVar:

ClinVar aggregate classification (germline): Likely benign (1 of 4 stars; one submission).

Allele frequency attached by ClinVar (database versions not stated): ExAC 0.00001; gnomAD exomes below 0.00001.
gnomAD v4.1: 1 of 1,610,110 alleles (0.000062%); no homozygotes.

Submission:

GeneDx
Classification: Likely benign. Last evaluated: 2018-02-21. Review status: criteria provided, single submitter. Criteria: GeneDx Variant Classification (06012015). Collection method: clinical testing. Allele origin: germline. Affected: yes.
Comment: This variant is considered likely benign or benign based on one or more of the following criteria: it is a conservative change, it occurs at a poorly conserved position in the protein, it is predicted to be benign by multiple in silico algorithms, and/or has population frequency not consistent with disease.

NM_002156.5(HSPD1):c.483T>C (p.Pro161=)

Gene: HSPD1 (heat shock protein family D (Hsp60) member 1; minus strand). Cytogenetic location: 2q33.1.
Variant type: single nucleotide variant.
Coding change: c.483T>C on transcript NM_002156.5 (MANE Select); coding-DNA position 483, T replaced by C.
Protein change: p.Pro161=; no amino-acid change (proline 161 retained).
Molecular consequence: synonymous variant.
Genome position (GRCh38, 1-based): chr2:197,495,321, A>G on the plus strand (T>C on the coding strand, the complement: HSPD1 is on the minus strand). VCF-style: chr2-197495321-A-G. GRCh37 (hg19) VCF-style: chr2-198360045-A-G.
Other names: c.483T>C, p.Pro161= (NM_199440.2).
Identifiers: ClinVar variation 515335 (VCV000515335.1), dbSNP rs758270645, ClinGen allele CA2043601.
Genomic context (GRCh38, chr2:197,495,321, plus strand): 5'-TTTTAAAAAACGTGTAACATGTTAAGTCCTTACCTGTGCAATTTCTTCAGGGGTGGTCAC[A>G]GGTTTAGACTGCTTTTTAAGTTCAGCAATTACAGCATCAACAGCTAACATCACACCTAGT-3'
Protein context (NP_002147.2, residues 151-171): VIAELKKQSK[Pro161=]VTTPEEIAQV